The following is an entry in ClinVar:

ClinVar aggregate classification (germline): Uncertain significance (1 of 4 stars; one submission).

Conditions:
Fumarase deficiency (FMRD). Also called: Fumaric aciduria; Fumarate Hydratase Deficiency. Identifiers: Orphanet 24, MedGen C0342770, MONDO:0011730, OMIM 606812.

Submission:

Labcorp Genetics (formerly Invitae), Labcorp
Classification: Uncertain significance for Fumarase deficiency. Last evaluated: 2018-01-31. Review status: criteria provided, single submitter. Criteria: Invitae Variant Classification Sherloc (09022015). Collection method: clinical testing. Allele origin: germline.
Comment: A gross duplication of the genomic region encompassing the full coding sequence of the FH gene has been identified. The boundaries of this event are unknown as the duplication extends beyond the assayed region for this gene and therefore may encompass additional genes. As the precise location of this duplication is unknown, it may be in tandem or it may be located elsewhere in the genome. This duplication has not been reported in the literature in individuals with FH-related disease. ClinVar contains an entry for FH gene duplications (Variation ID: 460333). In summary, the available evidence is currently insufficient to determine the role of this variant in disease. Therefore, it has been classified as a Variant of Uncertain Significance.

NC_000001.10:g.(?_241661122)_(241683028_?)dup

Genes: FH (fumarate hydratase; minus strand), LOC129932888 (ATAC-STARR-seq lymphoblastoid silent region 2007; plus strand). Cytogenetic location: 1q43.
Variant type: Duplication.
Identifiers: ClinVar variation 460333 (VCV000460333.1).